The following is an entry in ClinVar:

ClinVar aggregate classification (germline): Benign/Likely benign. Review status: criteria provided, multiple submitters, no conflicts (2 of 4 stars). 2 submissions from 2 submitters: Benign (1); Likely benign (1). Last evaluated 2024-09-25.

Conditions:
Familial melanoma. Also called: Hereditary melanoma; Hereditary cutaneous melanoma. Identifiers: Orphanet 618, MedGen C1512419, MONDO:0018961.
Melanoma, cutaneous malignant, susceptibility to, 3. Also called: Cutaneous malignant melanoma 3. Identifiers: Orphanet 618, MedGen C1836892, MONDO:0012183, OMIM 609048.

Submissions (2):

Myriad Genetics, Inc.
Classification: Benign for Melanoma, cutaneous malignant, susceptibility to, 3. Last evaluated: 2024-09-25. Review status: criteria provided, single submitter. Criteria: Myriad Autosomal Dominant, Autosomal Recessive and X-Linked Classification Criteria (2023). Collection method: clinical testing. Allele origin: unknown.
Comment: This variant is considered benign. This variant is a silent/synonymous amino acid change and it is not expected to impact splicing.

Labcorp Genetics (formerly Invitae), Labcorp
Classification: Likely benign for Familial melanoma. Last evaluated: 2018-12-20. Review status: criteria provided, single submitter. Criteria: Invitae Variant Classification Sherloc (09022015). Collection method: clinical testing. Allele origin: germline.

NM_000075.4(CDK4):c.462C>G (p.Val154=)

Gene: CDK4 (cyclin dependent kinase 4; minus strand). Cytogenetic location: 12q14.1.
Variant type: single nucleotide variant.
Coding change: c.462C>G on transcript NM_000075.4 (MANE Select); coding-DNA position 462, C replaced by G.
Protein change: p.Val154=; no amino-acid change (valine 154 retained).
Molecular consequence: synonymous variant.
Genome position (GRCh38, 1-based): chr12:57,750,983, G>C on the plus strand (C>G on the coding strand, the complement: CDK4 is on the minus strand). VCF-style: chr12-57750983-G-C. GRCh37 (hg19) VCF-style: chr12-58144766-G-C.
Identifiers: ClinVar variation 799229 (VCV000799229.10), dbSNP rs1190412756, ClinGen allele CA480404444.